The following is an entry in ClinVar:

ClinVar aggregate classification (germline): Likely benign (1 of 4 stars; one submission).

Allele frequency attached by ClinVar (database versions not stated): gnomAD exomes below 0.00001; ExAC 0.00001.
gnomAD v4.1: 8 of 1,614,182 alleles (0.0005%); highest among the groups gnomAD compares: Middle Eastern, 0.033%; no homozygotes.

Submission:

CeGaT Center for Human Genetics Tuebingen
Classification: Likely benign. Last evaluated: 2024-05-01. Review status: criteria provided, single submitter. Criteria: CeGaT Center For Human Genetics Tuebingen Variant Classification Criteria Version 2. Collection method: clinical testing. Allele origin: germline. Affected: yes. Observed: 1 variant allele.
Comment: HECW2: BP4

NM_001348768.2(HECW2):c.1105A>G (p.Asn369Asp)

Gene: HECW2 (HECT, C2 and WW domain containing E3 ubiquitin protein ligase 2; minus strand). Cytogenetic location: 2q32.3.
Variant type: single nucleotide variant.
Coding change: c.1105A>G on transcript NM_001348768.2 (MANE Select); coding-DNA position 1105, A replaced by G.
Protein change: p.Asn369Asp; replaces asparagine 369 with aspartic acid.
Molecular consequence: missense variant.
Genome position (GRCh38, 1-based): chr2:196,319,785, T>C on the plus strand (A>G on the coding strand, the complement: HECW2 is on the minus strand). VCF-style: chr2-196319785-T-C. GRCh37 (hg19) VCF-style: chr2-197184509-T-C.
Other names: c.37A>G, p.Asn13Asp (NM_001304840.3); c.1105A>G, p.Asn369Asp (NM_020760.4); short protein forms N13D, N369D.
Identifiers: ClinVar variation 3239086 (VCV003239086.19), dbSNP rs774666555.